The following is an entry in ClinVar:

NM_001429.4(EP300):c.6105G>C (p.Gln2035His)

Gene: EP300 (E1A binding protein p300; plus strand). Cytogenetic location: 22q13.2.
Variant type: single nucleotide variant.
Coding change: c.6105G>C on transcript NM_001429.4 (MANE Select); coding-DNA position 6105, G replaced by C.
Protein change: p.Gln2035His; replaces glutamine 2035 with histidine.
Molecular consequence: missense variant.
Genome position (GRCh38, 1-based): chr22:41,177,816, G>C. VCF-style: chr22-41177816-G-C. GRCh37 (hg19) VCF-style: chr22-41573820-G-C.
Other names: c.6027G>C, p.Gln2009His (NM_001362843.2); short protein forms Q2009H, Q2035H.
Identifiers: ClinVar variation 2505601 (VCV002505601.3), dbSNP rs1441073777, ClinGen allele CA411680529.

ClinVar aggregate classification (germline): Uncertain significance. Review status: criteria provided, single submitter (1 of 4 stars). 2 submissions from 2 submitters: Uncertain significance (1). 1 of the submissions does not count toward it. Last evaluated 2023-11-01.

Conditions:
EP300-related disorder. Also called: EP300-related condition; EP300-related disorders.

Submissions (2):

GeneDx
Classification: Uncertain significance. Last evaluated: 2023-11-01. Review status: criteria provided, single submitter. Criteria: GeneDx Variant Classification Process June 2021. Collection method: clinical testing. Allele origin: germline. Affected: yes.
Comment: Not observed at significant frequency in large population cohorts (gnomAD); In silico analysis supports that this missense variant does not alter protein structure/function; Has not been previously published as pathogenic or benign to our knowledge

PreventionGenetics, part of Exact Sciences
Classification: Uncertain significance for EP300-related condition. Last evaluated: 2024-05-02. Review status: no assertion criteria provided. Collection method: clinical testing. Allele origin: germline. Not counted in ClinVar's aggregate classification.
Comment: The EP300 c.6105G>C variant is predicted to result in the amino acid substitution p.Gln2035His. To our knowledge, this variant has not been reported in the literature or in a large population database, indicating this variant is rare. At this time, the clinical significance of this variant is uncertain due to the absence of conclusive functional and genetic evidence.